The following is an entry in ClinVar:

ClinVar aggregate classification (germline): Uncertain significance (1 of 4 stars; one submission).

Conditions:
Hereditary cancer-predisposing syndrome. Also called: Neoplastic Syndromes, Hereditary; Tumor predisposition; Hereditary Cancer Syndrome; Hereditary neoplastic syndrome. Identifiers: Orphanet 140162, MedGen C0027672, MeSH D009386, MONDO:0015356.

Submission:

Ambry Genetics
Classification: Uncertain significance for Hereditary cancer-predisposing syndrome. Last evaluated: 2025-09-29. Review status: criteria provided, single submitter. Criteria: Ambry Variant Classification Scheme 2023. Collection method: clinical testing. Allele origin: germline.
Comment: The p.P155R variant (also known as c.464C>G), located in coding exon 3 of the KIT gene, results from a C to G substitution at nucleotide position 464. The proline at codon 155 is replaced by arginine, an amino acid with dissimilar properties. This amino acid position is conserved. In addition, this alteration is predicted to be tolerated by in silico analysis. Based on the available evidence, the clinical significance of this variant remains unclear.

NM_000222.3(KIT):c.464C>G (p.Pro155Arg)

Gene: KIT (KIT proto-oncogene, receptor tyrosine kinase; plus strand). Cytogenetic location: 4q12.
Variant type: single nucleotide variant.
Coding change: c.464C>G on transcript NM_000222.3 (MANE Select); coding-DNA position 464, C replaced by G.
Protein change: p.Pro155Arg; replaces proline 155 with arginine.
Molecular consequence: missense variant.
Genome position (GRCh38, 1-based): chr4:54,698,410, C>G. VCF-style: chr4-54698410-C-G. GRCh37 (hg19) VCF-style: chr4-55564576-C-G.
Other names: c.464C>G, p.Pro155Arg (NM_001093772.2, NM_001385284.1, NM_001385285.1 and 4 more transcripts); short protein forms P155R.
Identifiers: ClinVar variation 4644712 (VCV004644712.1).